The following is an entry in ClinVar:

NM_004972.4(JAK2):c.3004C>T (p.Pro1002Ser)

Genes: INSL6 (insulin like 6; minus strand), JAK2 (Janus kinase 2; plus strand). Cytogenetic location: 9p24.1.
Variant type: single nucleotide variant.
Coding change: c.3004C>T on transcript NM_004972.4 (MANE Select); coding-DNA position 3004, C replaced by T.
Protein change: p.Pro1002Ser; replaces proline 1002 with serine.
Molecular consequence: missense variant. On other transcripts: non-coding transcript variant (2).
Genome position (GRCh38, 1-based): chr9:5,090,856, C>T. VCF-style: chr9-5090856-C-T. GRCh37 (hg19) VCF-style: chr9-5090856-C-T.
Other names: c.3004C>T, p.Pro1002Ser (NM_001322194.2, NM_001322195.2, NM_001322196.2); c.1789C>T, p.Pro597Ser (NM_001322198.2, NM_001322199.2); c.2557C>T, p.Pro853Ser (NM_001322204.2); short protein forms P597S, P1002S, P853S.
Identifiers: ClinVar variation 4988030 (VCV004988030.1).
Genomic context (GRCh38, chr9:5,090,856, plus strand): 5'-ATATTGGTGGAGAACGAGAACAGAGTTAAAATTGGAGATTTTGGGTTAACCAAAGTCTTG[C>T]CACAAGACAAAGAATACTATAAAGTAAAAGAACCTGGTGAAAGTCCCATATTCTGGTGAG-3'
Protein context (NP_004963.1, residues 992-1012): IGDFGLTKVL[Pro1002Ser]QDKEYYKVKE

ClinVar aggregate classification (germline): Uncertain significance (1 of 4 stars; one submission).

Conditions:
JAK2-related disorder. Also called: JAK2-related condition.

gnomAD v4.1: 7 of 1,612,736 alleles (0.00043%); highest among the groups gnomAD compares: Admixed American, 0.01%; no homozygotes.

Submission:

PreventionGenetics, part of Exact Sciences
Classification: Uncertain significance for JAK2-related condition. Last evaluated: 2025-10-07. Review status: criteria provided, single submitter. Criteria: ACMG Guidelines, 2015. Collection method: clinical testing. Allele origin: germline.
Comment: The JAK2 c.3004C>T variant is predicted to result in the amino acid substitution p.Pro1002Ser. To our knowledge, this variant has not been reported in the literature. This variant is reported in 0.017% of alleles in individuals of Latino descent in gnomAD. At this time, the clinical significance of this variant is uncertain due to the absence of conclusive functional and genetic evidence.